The following is an entry in ClinVar:

ClinVar aggregate classification (germline): Uncertain significance. Review status: criteria provided, single submitter (1 of 4 stars). 2 submissions from 2 submitters: Uncertain significance (1). 1 of the submissions does not count toward it. Last evaluated 2021-08-28.

Conditions:
Usher syndrome type 2A. Also called: RETINAL DISEASE IN USHER SYNDROME TYPE IIA, MODIFIER OF; USHER SYNDROME, TYPE IIA. Identifiers: Orphanet 231178, Orphanet 886, MedGen C1848634, MONDO:0010169, OMIM 276901.

Allele frequency attached by ClinVar (database versions not stated): gnomAD exomes 0.00001 and 0.00004; ExAC 0.00005.
gnomAD v4.1: 8 of 1,613,562 alleles (0.0005%); highest among the groups gnomAD compares: Admixed American, 0.013%; no homozygotes.

Submissions (2):

Labcorp Genetics (formerly Invitae), Labcorp
Classification: Uncertain significance. Last evaluated: 2021-08-28. Review status: criteria provided, single submitter. Criteria: Invitae Variant Classification Sherloc (09022015). Collection method: clinical testing. Allele origin: germline.
Comment: This sequence change replaces lysine with arginine at codon 2745 of the USH2A protein (p.Lys2745Arg). The lysine residue is highly conserved and there is a small physicochemical difference between lysine and arginine. This variant is present in population databases (rs753212183, ExAC 0.05%). This variant has not been reported in the literature in individuals affected with USH2A-related conditions. Algorithms developed to predict the effect of missense changes on protein structure and function output the following: SIFT: "Tolerated"; PolyPhen-2: "Benign"; Align-GVGD: "Class C0". The arginine amino acid residue is found in multiple mammalian species, which suggests that this missense change does not adversely affect protein function. In summary, the available evidence is currently insufficient to determine the role of this variant in disease. Therefore, it has been classified as a Variant of Uncertain Significance.

Natera, Inc.
Classification: Uncertain significance for Usher syndrome type 2A. Last evaluated: 2020-08-13. Review status: no assertion criteria provided. Collection method: clinical testing. Allele origin: germline. Not counted in ClinVar's aggregate classification.

NM_206933.4(USH2A):c.8234A>G (p.Lys2745Arg)

Gene: USH2A (usherin; minus strand). Cytogenetic location: 1q41.
Variant type: single nucleotide variant.
Coding change: c.8234A>G on transcript NM_206933.4 (MANE Select); coding-DNA position 8234, A replaced by G.
Protein change: p.Lys2745Arg; replaces lysine 2745 with arginine.
Molecular consequence: missense variant.
Genome position (GRCh38, 1-based): chr1:215,879,088, T>C on the plus strand (A>G on the coding strand, the complement: USH2A is on the minus strand). VCF-style: chr1-215879088-T-C. GRCh37 (hg19) VCF-style: chr1-216052430-T-C.
Other names: short protein forms K2745R.
Identifiers: ClinVar variation 990785 (VCV000990785.6), dbSNP rs753212183, ClinGen allele CA1394636.